The following is an entry in ClinVar:

NM_000222.3(KIT):c.1943G>A (p.Gly648Asp)

Gene: KIT (KIT proto-oncogene, receptor tyrosine kinase; plus strand). Cytogenetic location: 4q12.
Variant type: single nucleotide variant.
Coding change: c.1943G>A on transcript NM_000222.3 (MANE Select); coding-DNA position 1943, G replaced by A.
Protein change: p.Gly648Asp; replaces glycine 648 with aspartic acid.
Molecular consequence: missense variant.
Genome position (GRCh38, 1-based): chr4:54,728,074, G>A. VCF-style: chr4-54728074-G-A. GRCh37 (hg19) VCF-style: chr4-55594240-G-A.
Other names: c.1931G>A, p.Gly644Asp (NM_001093772.2, NM_001385286.1); c.1946G>A, p.Gly649Asp (NM_001385284.1, NM_001385290.1); c.1943G>A, p.Gly648Asp (NM_001385285.1); c.1934G>A, p.Gly645Asp (NM_001385288.1, NM_001385292.1); short protein forms G644D, G648D, G649D, G645D.
Identifiers: ClinVar variation 2145278 (VCV002145278.4), dbSNP rs1722354757, ClinGen allele CA356908690.

ClinVar aggregate classification (germline): Uncertain significance (1 of 4 stars; one submission).

Conditions:
Gastrointestinal stromal tumor. Also called: Gastrointestinal stroma tumor; Gastrointestinal stromal tumor, somatic. Identifiers: Orphanet 44890, MedGen C0238198, MeSH D046152, MONDO:0011719, OMIM 606764, HP:0100723.

Allele frequency attached by ClinVar (database versions not stated): TOPMed below 0.00001.

Submission:

Labcorp Genetics (formerly Invitae), Labcorp
Classification: Uncertain significance for Gastrointestinal stromal tumor. Last evaluated: 2022-08-27. Review status: criteria provided, single submitter. Criteria: Invitae Variant Classification Sherloc (09022015). Collection method: clinical testing. Allele origin: germline.
Comment: This variant has not been reported in the literature in individuals affected with KIT-related conditions. This variant is not present in population databases (gnomAD no frequency). This sequence change replaces glycine, which is neutral and non-polar, with aspartic acid, which is acidic and polar, at codon 648 of the KIT protein (p.Gly648Asp). Algorithms developed to predict the effect of missense changes on protein structure and function (SIFT, PolyPhen-2, Align-GVGD) all suggest that this variant is likely to be disruptive. In summary, the available evidence is currently insufficient to determine the role of this variant in disease. Therefore, it has been classified as a Variant of Uncertain Significance.